The following is an entry in ClinVar:

ClinVar aggregate classification (germline): Uncertain significance (1 of 4 stars; one submission).

Conditions:
Branchiootorenal syndrome 1. Also called: Branchio-Oto-Renal Syndrome 1. Identifiers: Orphanet 107, MedGen C4551702, MONDO:0007236, OMIM 113650.

Submission:

MVZ Medizinische Genetik Mainz
Classification: Uncertain significance for Branchiootorenal syndrome 1. Last evaluated: 2026-02-16. Review status: criteria provided, single submitter. Criteria: UK Practice Guidelines For Variant Classification V4 01 2020. Collection method: clinical testing. Allele origin: germline. Inheritance: Autosomal dominant inheritance. Affected: yes. Observed: 1 variant allele.
Comment: ACMG Criteria: PP3_MOD,PM2_SUP

NM_000503.6(EYA1):c.1091A>C (p.Glu364Ala)

Gene: EYA1 (EYA transcriptional coactivator and phosphatase 1; minus strand). Cytogenetic location: 8q13.3.
Variant type: single nucleotide variant.
Coding change: c.1091A>C on transcript NM_000503.6 (MANE Select); coding-DNA position 1091, A replaced by C.
Protein change: p.Glu364Ala; replaces glutamic acid 364 with alanine.
Molecular consequence: missense variant. On other transcripts: intron variant (2).
Genome position (GRCh38, 1-based): chr8:71,244,652, T>G on the plus strand (A>C on the coding strand, the complement: EYA1 is on the minus strand). VCF-style: chr8-71244652-T-G. GRCh37 (hg19) VCF-style: chr8-72156887-T-G.
Other names: c.1073A>C, p.Glu358Ala (NM_001288574.2); c.725A>C, p.Glu242Ala (NM_001288575.2); c.1178A>C, p.Glu393Ala (NM_001370333.1); c.1091A>C, p.Glu364Ala (NM_001370334.1, NM_001370335.1, NM_172058.4); c.992A>C, p.Glu331Ala (NM_001411797.1, NM_172060.4); c.1119+25088A>C (NM_001370336.1); c.1122+25088A>C (NM_172059.5); short protein forms E242A, E331A, E358A, E364A, E393A.
Identifiers: ClinVar variation 4818865 (VCV004818865.1).
Genomic context (GRCh38, chr8:71,244,652, plus strand): 5'-TTAGAACTTACTTCTAAGTCATTAAAAAATAAATGTGTGTCTGCCAAGTTGAAAATCATT[T>G]CTTCCATTCGCAGTCCAAGGGAAACTGAAGTGGGTGGATCCTAAAATAAGAATATGACAG-3'
Protein context (NP_000494.2, residues 354-374): TSVSLGLRME[Glu364Ala]MIFNLADTHL